The following is an entry in ClinVar:

NM_000092.5(COL4A4):c.3018A>T (p.Arg1006Ser)

Gene: COL4A4 (collagen type IV alpha 4 chain; minus strand). Cytogenetic location: 2q36.3.
Variant type: single nucleotide variant.
Coding change: c.3018A>T on transcript NM_000092.5 (MANE Select); coding-DNA position 3018, A replaced by T.
Protein change: p.Arg1006Ser; replaces arginine 1006 with serine.
Molecular consequence: missense variant.
Genome position (GRCh38, 1-based): chr2:227,051,109, T>A on the plus strand (A>T on the coding strand, the complement: COL4A4 is on the minus strand). VCF-style: chr2-227051109-T-A. GRCh37 (hg19) VCF-style: chr2-227915825-T-A.
Other names: short protein forms R1006S.
Identifiers: ClinVar variation 726280 (VCV000726280.17), dbSNP rs531161419, ClinGen allele CA2144649.

ClinVar aggregate classification (germline): Conflicting classifications of pathogenicity. Review status: criteria provided, conflicting classifications (1 of 4 stars). 7 submissions from 7 submitters: Uncertain significance (2); Benign (1); Likely benign (2). 2 of the submissions do not count toward it. Last evaluated 2026-05-26.

Conditions:
COL4A4-related disorder.
Inborn genetic diseases. Identifiers: MedGen C0950123, MeSH D030342.
Autosomal recessive Alport syndrome (ATS2). Also called: COL4A4 Alport Syndrome and Thin Basement Membrane Nephropathy; ALPORT SYNDROME 2, AUTOSOMAL RECESSIVE; COL4A3-Related Nephropathy; Alport syndrome type 2. Identifiers: Orphanet 63, Orphanet 88919, MedGen C4746745, MONDO:0008762, OMIM 203780.
Benign familial hematuria. Also called: thin basement membrane disease. Identifiers: MedGen C0241908, MONDO:0957317.
Alport syndrome. Also called: Hemorrhagic familial nephritis; Hemorrhagic hereditary nephritis; Congenital hereditary hematuria. Identifiers: Orphanet 63, MedGen C1567741, MONDO:0018965.

Allele frequency attached by ClinVar (database versions not stated): gnomAD exomes 0.00013 and 0.00032; ExAC 0.00034; gnomAD below 0.00001 and 0.00005; TOPMed 0.00003; 1000 Genomes Project 30x 0.00016; 1000 Genomes Project 0.00020.
gnomAD v4.1: 217 of 1,614,150 alleles (0.013%); highest among the groups gnomAD compares: South Asian, 0.21%; 2 homozygotes.

Submissions (7):

PreventionGenetics, part of Exact Sciences
Classification: Likely benign for COL4A4-related condition. Last evaluated: 2026-05-26. Review status: criteria provided, single submitter. Criteria: ACMG Guidelines, 2015. Collection method: clinical testing. Allele origin: germline.
Comment: This variant is classified as likely benign based on ACMG/AMP sequence variant interpretation guidelines (Richards et al. 2015 PMID: 25741868, with internal and published modifications).

Labcorp Genetics (formerly Invitae), Labcorp
Classification: Benign. Last evaluated: 2025-11-23. Review status: criteria provided, single submitter. Criteria: Invitae Variant Classification Sherloc (09022015). Collection method: clinical testing. Allele origin: germline.

Blueprint Genetics
Classification: Uncertain significance. Last evaluated: 2024-02-20. Review status: criteria provided, single submitter. Criteria: ACMG Guidelines, 2015. Collection method: clinical testing. Allele origin: germline.

Ambry Genetics
Classification: Uncertain significance for Inborn genetic diseases. Last evaluated: 2024-01-16. Review status: criteria provided, single submitter. Criteria: Ambry Variant Classification Scheme 2023. Collection method: clinical testing. Allele origin: germline.

Fulgent Genetics
Classification: Likely benign for Hematuria, benign familial, 1; Autosomal recessive Alport syndrome. Last evaluated: 2021-07-19. Review status: criteria provided, single submitter. Criteria: ACMG Guidelines, 2015. Collection method: clinical testing. Allele origin: unknown.

Natera, Inc.
Classification: Likely benign for Alport syndrome. Last evaluated: 2020-03-05. Review status: no assertion criteria provided. Collection method: clinical testing. Allele origin: germline. Not counted in ClinVar's aggregate classification.

Department of Pathology and Laboratory Medicine, Sinai Health System
Classification: Uncertain significance. Review status: no assertion criteria provided. Collection method: clinical testing. Allele origin: unknown. Affected: yes. Study: The Canadian Open Genetics Repository (COGR). Not counted in ClinVar's aggregate classification.
Comment: The COL4A4 p.Arg1006Ser variant was not identified in the literature nor was it identified in ClinVar. The variant was identified in dbSNP (ID: rs531161419) and in control databases in 81 of 249572 chromosomes (1 homozygous) at a frequency of 0.0003246 (Genome Aggregation Database March 6, 2019, v2.1.1). The variant was observed in the following populations: South Asian in 80 of 30602 chromosomes (freq: 0.002614) and Other in 1 of 6064 chromosomes (freq: 0.000165), but was not observed in the African, Latino, Ashkenazi Jewish, East Asian, European (Finnish), or European (non-Finnish) populations. The p.Arg1006 residue is conserved in mammals and computational analyses (PolyPhen-2, SIFT, AlignGVGD, BLOSUM, MutationTaster) provide inconsistent predictions regarding the impact to the protein; this information is not very predictive of pathogenicity. The variant occurs outside of the splicing consensus sequence and in silico or computational prediction software programs (SpliceSiteFinder, MaxEntScan, NNSPLICE, GeneSplicer) do not predict a difference in splicing. In summary, based on the above information the clinical significance of this variant cannot be determined with certainty at this time. This variant is classified as a variant of uncertain significance.